The following is an entry in ClinVar:

NM_001005373.4(LRSAM1):c.1980G>A (p.Arg660=)

Gene: LRSAM1 (leucine rich repeat and sterile alpha motif containing 1; plus strand). Cytogenetic location: 9q34.11.
Variant type: single nucleotide variant.
Coding change: c.1980G>A on transcript NM_001005373.4 (MANE Select); coding-DNA position 1980, G replaced by A.
Protein change: p.Arg660=; no amino-acid change (arginine 660 retained).
Molecular consequence: synonymous variant. On other transcripts: non-coding transcript variant (2).
Genome position (GRCh38, 1-based): chr9:127,501,077, G>A. VCF-style: chr9-127501077-G-A. GRCh37 (hg19) VCF-style: chr9-130263356-G-A.
Other names: p.Arg660=; c.1980G>A (NM_138361.4); c.1980G>A, p.Arg660= (NM_001005374.4, NM_001384142.1, NM_138361.5); c.1899G>A, p.Arg633= (NM_001190723.3); c.1881G>A, p.Arg627= (NM_001384143.1); c.1191G>A, p.Arg397= (NM_001384144.1).
Identifiers: ClinVar variation 508313 (VCV000508313.16), dbSNP rs147805183, ClinGen allele CA5247218.

ClinVar aggregate classification (germline): Likely benign. Review status: criteria provided, multiple submitters, no conflicts (2 of 4 stars). 6 submissions from 6 submitters: Likely benign (6). Last evaluated 2026-01-27.

Conditions:
Charcot-Marie-Tooth disease axonal type 2P. Also called: CHARCOT-MARIE-TOOTH DISEASE, AXONAL, TYPE 2G; CMT 2G; CHARCOT-MARIE-TOOTH NEUROPATHY, TYPE 2P; Charcot-Marie-Tooth Neuropathy Type 2G. Identifiers: Orphanet 300319, Orphanet 99941, MedGen C3280797, MONDO:0013753, OMIM 614436.
Inborn genetic diseases. Identifiers: MedGen C0950123, MeSH D030342.
LRSAM1-related disorder. Also called: LRSAM1-related condition.

Allele frequency attached by ClinVar (database versions not stated): gnomAD 0.00004 and 0.00006; ExAC 0.00007; gnomAD exomes 0.00007 and 0.00009; TOPMed 0.00008; ESP Exome Variant Server 0.00023.
gnomAD v4.1: 138 of 1,613,820 alleles (0.0086%); highest among the groups gnomAD compares: Non-Finnish European, 0.011%; no homozygotes.

Submissions (6):

Labcorp Genetics (formerly Invitae), Labcorp
Classification: Likely benign for Charcot-Marie-Tooth disease axonal type 2P. Last evaluated: 2026-01-27. Review status: criteria provided, single submitter. Criteria: Invitae Variant Classification Sherloc (09022015). Collection method: clinical testing. Allele origin: germline.

Mayo Clinic Laboratories, Mayo Clinic
Classification: Likely benign. Last evaluated: 2025-10-21. Review status: criteria provided, single submitter. Criteria: ACMG Guidelines, 2015. Collection method: clinical testing. Allele origin: germline. Observed: 1 variant allele.
Comment: BP4, BP7

PreventionGenetics, part of Exact Sciences
Classification: Likely benign for LRSAM1-related condition. Last evaluated: 2025-10-07. Review status: criteria provided, single submitter. Criteria: ACMG Guidelines, 2015. Collection method: clinical testing. Allele origin: germline.
Comment: This variant is classified as likely benign based on ACMG/AMP sequence variant interpretation guidelines (Richards et al. 2015 PMID: 25741868, with internal and published modifications).

Blueprint Genetics
Classification: Likely benign. Last evaluated: 2024-03-27. Review status: criteria provided, single submitter. Criteria: ACMG Guidelines, 2015. Collection method: clinical testing. Allele origin: germline.

Ambry Genetics
Classification: Likely benign for Inborn genetic diseases. Last evaluated: 2019-07-11. Review status: criteria provided, single submitter. Criteria: Ambry Variant Classification Scheme 2023. Collection method: clinical testing. Allele origin: germline.

GeneDx
Classification: Likely benign. Last evaluated: 2017-03-24. Review status: criteria provided, single submitter. Criteria: GeneDx Variant Classification (06012015). Collection method: clinical testing. Allele origin: germline. Affected: yes.
Comment: This variant is considered likely benign or benign based on one or more of the following criteria: it is a conservative change, it occurs at a poorly conserved position in the protein, it is predicted to be benign by multiple in silico algorithms, and/or has population frequency not consistent with disease.